The following is an entry in ClinVar:

ClinVar aggregate classification (germline): Uncertain significance (1 of 4 stars; one submission).

Conditions:
Cohen syndrome (COH1). Also called: Cutis verticis gyrata, retinitis pigmentosa, and sensorineural deafness; PEPPER SYNDROME. Identifiers: Orphanet 193, MedGen C0265223, MONDO:0008999, OMIM 216550.

gnomAD v4.1: 3 of 1,597,356 alleles (0.00019%); highest among the groups gnomAD compares: Admixed American, 0.0017%; no homozygotes.

Submission:

Labcorp Genetics (formerly Invitae), Labcorp
Classification: Uncertain significance for Cohen syndrome. Last evaluated: 2025-08-19. Review status: criteria provided, single submitter. Criteria: Invitae Variant Classification Sherloc (09022015). Collection method: clinical testing. Allele origin: germline.
Comment: This sequence change replaces arginine, which is basic and polar, with leucine, which is neutral and non-polar, at codon 3752 of the VPS13B protein (p.Arg3752Leu). This variant is not present in population databases (gnomAD no frequency). This variant has not been reported in the literature in individuals affected with VPS13B-related conditions. Invitae Evidence Modeling of protein sequence and biophysical properties (such as structural, functional, and spatial information, amino acid conservation, physicochemical variation, residue mobility, and thermodynamic stability) indicates that this missense variant is expected to disrupt VPS13B protein function with a positive predictive value of 80%. In summary, the available evidence is currently insufficient to determine the role of this variant in disease. Therefore, it has been classified as a Variant of Uncertain Significance.

NM_152564.5(VPS13B):c.11180G>T (p.Arg3727Leu)

Gene: VPS13B (vacuolar protein sorting 13 homolog B; plus strand). Cytogenetic location: 8q22.2.
Variant type: single nucleotide variant.
Coding change: c.11180G>T on transcript NM_152564.5 (MANE Select); coding-DNA position 11180, G replaced by T.
Protein change: p.Arg3727Leu; replaces arginine 3727 with leucine.
Molecular consequence: missense variant.
Genome position (GRCh38, 1-based): chr8:99,861,911, G>T. VCF-style: chr8-99861911-G-T. GRCh37 (hg19) VCF-style: chr8-100874139-G-T.
Other names: c.11255G>T, p.Arg3752Leu (NM_017890.5); short protein forms R3727L, R3752L.
Identifiers: ClinVar variation 4781934 (VCV004781934.1).
Genomic context (GRCh38, chr8:99,861,911, plus strand): 5'-ACTACAACCGGCAGGAGGAGTGGCGGCGGCAGCTCCCCGAGAGCCTGGGCGAGGGGCTTC[G>T]ACAGGGCCTGTCCCGGCTGGGCATCAGCCTGCTTGGTAAGGGGCTGCGGGGCCTCCCACC-3'
Protein context (NP_689777.3, residues 3717-3737): QLPESLGEGL[Arg3727Leu]QGLSRLGISL